The following is an entry in ClinVar:

ClinVar aggregate classification (germline): Pathogenic (1 of 4 stars; one submission).

Conditions:
Neurodevelopmental disorder with hypotonia, stereotypic hand movements, and impaired language. Also called: Intellectual disability, autosomal dominant 20. Identifiers: Orphanet 228384, Orphanet 664410, MedGen C3150700, MONDO:0013266, OMIM 613443.

Submission:

Labcorp Genetics (formerly Invitae), Labcorp
Classification: Pathogenic for Neurodevelopmental disorder with hypotonia, stereotypic hand movements, and impaired language. Last evaluated: 2024-08-18. Review status: criteria provided, single submitter. Criteria: Invitae Variant Classification Sherloc (09022015). Collection method: clinical testing. Allele origin: germline.
Comment: This sequence change replaces asparagine, which is neutral and polar, with lysine, which is basic and polar, at codon 16 of the MEF2C protein (p.Asn16Lys). This variant is not present in population databases (gnomAD no frequency). This missense change has been observed in individual(s) with MEF2C-related conditions (PMID: 30376817). In at least one individual the variant was observed to be de novo. Invitae Evidence Modeling of protein sequence and biophysical properties (such as structural, functional, and spatial information, amino acid conservation, physicochemical variation, residue mobility, and thermodynamic stability) indicates that this missense variant is expected to disrupt MEF2C protein function with a positive predictive value of 95%. For these reasons, this variant has been classified as Pathogenic.

Literature cited by the submitters: PubMed 30376817.

NM_002397.5(MEF2C):c.48C>G (p.Asn16Lys)

Gene: MEF2C (myocyte enhancer factor 2C; minus strand). Cytogenetic location: 5q14.3.
Variant type: single nucleotide variant.
Coding change: c.48C>G on transcript NM_002397.5 (MANE Select); coding-DNA position 48, C replaced by G.
Protein change: p.Asn16Lys; replaces asparagine 16 with lysine.
Molecular consequence: missense variant.
Genome position (GRCh38, 1-based): chr5:88,823,741, G>C on the plus strand (C>G on the coding strand, the complement: MEF2C is on the minus strand). VCF-style: chr5-88823741-G-C. GRCh37 (hg19) VCF-style: chr5-88119558-G-C.
Other names: c.48C>G, p.Asn16Lys (NM_001364349.2, NM_001364350.2, NM_001364352.2 and 29 more transcripts); short protein forms N16K.
Identifiers: ClinVar variation 3704386 (VCV003704386.2).